The following is an entry in ClinVar:

ClinVar aggregate classification (germline): Uncertain significance (1 of 4 stars; one submission).

Allele frequency attached by ClinVar (database versions not stated): gnomAD exomes 0.00001.
gnomAD v4.1: 8 of 1,603,992 alleles (0.0005%); highest among the groups gnomAD compares: Non-Finnish European, 0.00068%; no homozygotes.

Submission:

Labcorp Genetics (formerly Invitae), Labcorp
Classification: Uncertain significance. Last evaluated: 2024-06-17. Review status: criteria provided, single submitter. Criteria: Invitae Variant Classification Sherloc (09022015). Collection method: clinical testing. Allele origin: germline.
Comment: This sequence change replaces valine, which is neutral and non-polar, with glycine, which is neutral and non-polar, at codon 766 of the KCNH1 protein (p.Val766Gly). This variant is present in population databases (no rsID available, gnomAD 0.0009%). This variant has not been reported in the literature in individuals affected with KCNH1-related conditions. ClinVar contains an entry for this variant (Variation ID: 2186966). Advanced modeling of protein sequence and biophysical properties (such as structural, functional, and spatial information, amino acid conservation, physicochemical variation, residue mobility, and thermodynamic stability) performed at Invitae indicates that this missense variant is not expected to disrupt KCNH1 protein function with a negative predictive value of 95%. In summary, the available evidence is currently insufficient to determine the role of this variant in disease. Therefore, it has been classified as a Variant of Uncertain Significance.

NM_172362.3(KCNH1):c.2297T>G (p.Val766Gly)

Gene: KCNH1 (potassium voltage-gated channel subfamily H member 1; minus strand). Cytogenetic location: 1q32.2.
Variant type: single nucleotide variant.
Coding change: c.2297T>G on transcript NM_172362.3 (MANE Select); coding-DNA position 2297, T replaced by G.
Protein change: p.Val766Gly; replaces valine 766 with glycine.
Molecular consequence: missense variant.
Genome position (GRCh38, 1-based): chr1:210,683,954, A>C on the plus strand (T>G on the coding strand, the complement: KCNH1 is on the minus strand). VCF-style: chr1-210683954-A-C. GRCh37 (hg19) VCF-style: chr1-210857296-A-C.
Other names: c.2216T>G, p.Val739Gly (NM_002238.4); short protein forms V739G, V766G.
Identifiers: ClinVar variation 2186966 (VCV002186966.4), dbSNP rs1363714608, ClinGen allele CA344871458.
Genomic context (GRCh38, chr1:210,683,954, plus strand): 5'-CTGGCCTTCACGAGGCTGTGGTTGGCGGAGGCATGCTCTGTAAGGACATTGCCCTTCTCC[A>C]CATCTAGGTCATCCAGGTCCCGGCCCCCTCTCTCAGCTGCCAGCCTGGCCTCTTTCTGCT-3'
Protein context (NP_758872.1, residues 756-776): RGGRDLDDLD[Val766Gly]EKGNVLTEHA